The following is an entry in ClinVar:

ClinVar aggregate classification (germline): Uncertain significance. Review status: criteria provided, multiple submitters, no conflicts (2 of 4 stars). 3 submissions from 3 submitters: Uncertain significance (3). Last evaluated 2025-10-20.

Conditions:
Familial focal epilepsy with variable foci (FPEVF). Identifiers: Orphanet 98820, MedGen C1858477, MONDO:0020310.
Inborn genetic diseases. Identifiers: MedGen C0950123, MeSH D030342.
Epilepsy, familial focal, with variable foci 1 (FFEVF1). Also called: DEPDC5-Related Epilepsy. Identifiers: MedGen C4551983, MONDO:0024556, OMIM 604364.

Allele frequency attached by ClinVar (database versions not stated): ExAC 0.00001; gnomAD exomes 0.00001; TOPMed 0.00004; gnomAD 0.00006 and 0.00008.
gnomAD v4.1: 17 of 1,613,774 alleles (0.0011%); highest among the groups gnomAD compares: African/African-American, 0.019%; no homozygotes.

Submissions (3):

Labcorp Genetics (formerly Invitae), Labcorp
Classification: Uncertain significance for Familial focal epilepsy with variable foci. Last evaluated: 2025-10-20. Review status: criteria provided, single submitter. Criteria: Invitae Variant Classification Sherloc (09022015). Collection method: clinical testing. Allele origin: germline.
Comment: This sequence change replaces arginine, which is basic and polar, with lysine, which is basic and polar, at codon 264 of the DEPDC5 protein (p.Arg264Lys). This variant is present in population databases (rs750467533, gnomAD 0.01%). This variant has not been reported in the literature in individuals affected with DEPDC5-related conditions. ClinVar contains an entry for this variant (Variation ID: 579549). Experimental studies and prediction algorithms are not available or were not evaluated, and the functional significance of this variant is currently unknown. In summary, the available evidence is currently insufficient to determine the role of this variant in disease. Therefore, it has been classified as a Variant of Uncertain Significance.

Ambry Genetics
Classification: Uncertain significance for Inborn genetic diseases. Last evaluated: 2024-11-09. Review status: criteria provided, single submitter. Criteria: Ambry Variant Classification Scheme 2023. Collection method: clinical testing. Allele origin: germline.

Fulgent Genetics
Classification: Uncertain significance for Epilepsy, familial focal, with variable foci 1. Last evaluated: 2021-09-13. Review status: criteria provided, single submitter. Criteria: ACMG Guidelines, 2015. Collection method: clinical testing. Allele origin: unknown.

NM_001242896.3(DEPDC5):c.791G>A (p.Arg264Lys)

Gene: DEPDC5 (DEP domain containing 5, GATOR1 subcomplex subunit; plus strand). Cytogenetic location: 22q12.2.
Variant type: single nucleotide variant.
Coding change: c.791G>A on transcript NM_001242896.3 (MANE Select); coding-DNA position 791, G replaced by A.
Protein change: p.Arg264Lys; replaces arginine 264 with lysine.
Molecular consequence: missense variant. On other transcripts: non-coding transcript variant (5).
Genome position (GRCh38, 1-based): chr22:31,797,623, G>A. VCF-style: chr22-31797623-G-A. GRCh37 (hg19) VCF-style: chr22-32193609-G-A.
Other names: c.791G>A, p.Arg264Lys (NM_001007188.4, NM_001136029.4, NM_001242897.2 and 7 more transcripts); c.707G>A, p.Arg236Lys (NM_001369901.1, NM_001369902.1); short protein forms R264K, R236K.
Identifiers: ClinVar variation 579549 (VCV000579549.15), dbSNP rs750467533, ClinGen allele CA10196119.